The following is an entry in ClinVar:

NM_000059.4(BRCA2):c.4769A>G (p.Lys1590Arg)

Gene: BRCA2 (BRCA2 DNA repair associated; plus strand). Cytogenetic location: 13q13.1.
Variant type: single nucleotide variant.
Coding change: c.4769A>G on transcript NM_000059.4 (MANE Select); coding-DNA position 4769, A replaced by G.
Protein change: p.Lys1590Arg; replaces lysine 1590 with arginine.
Molecular consequence: missense variant.
Genome position (GRCh38, 1-based): chr13:32,339,124, A>G. VCF-style: chr13-32339124-A-G. GRCh37 (hg19) VCF-style: chr13-32913261-A-G.
Other names: short protein forms K1590R.
Identifiers: ClinVar variation 951700 (VCV000951700.15), dbSNP rs2072512459, ClinGen allele CA387783160.

ClinVar aggregate classification (germline): Conflicting classifications of pathogenicity. Review status: criteria provided, conflicting classifications (1 of 4 stars). 4 submissions from 4 submitters: Uncertain significance (3); Likely benign (1). Last evaluated 2025-02-26.

Conditions:
Hereditary breast ovarian cancer syndrome. Also called: Hereditary breast and ovarian cancer; Hereditary breast and/or ovarian cancer syndrome; Hereditary breast and ovarian cancer syndrome; Hereditary breast and ovarian cancer syndrome (HBOC); BRCA1- and BRCA2-Associated Hereditary Breast and Ovarian Cancer; Breast and ovarian cancer. Identifiers: Orphanet 145, MedGen C0677776, MeSH D061325, MONDO:0003582. Disease mechanism: loss of function.
Hereditary cancer-predisposing syndrome. Also called: Tumor predisposition; Hereditary neoplastic syndrome; Neoplastic Syndromes, Hereditary; Hereditary Cancer Syndrome. Identifiers: Orphanet 140162, MedGen C0027672, MeSH D009386, MONDO:0015356.

Submissions (4):

Ambry Genetics
Classification: Uncertain significance for Hereditary cancer-predisposing syndrome. Last evaluated: 2025-02-26. Review status: criteria provided, single submitter. Criteria: Ambry Variant Classification Scheme 2023. Collection method: clinical testing. Allele origin: germline.
Comment: The p.K1590R variant (also known as c.4769A>G), located in coding exon 10 of the BRCA2 gene, results from an A to G substitution at nucleotide position 4769. The lysine at codon 1590 is replaced by arginine, an amino acid with highly similar properties. This alteration was identified in an individual diagnosed with breast and/or ovarian cancer (Santonocito C et al. Breast, 2017 Dec;36:74-78). This amino acid position is not well conserved in available vertebrate species. In addition, this alteration is predicted to be tolerated by in silico analysis. Based on the available evidence, the clinical significance of this variant remains unclear.

Color Diagnostics, LLC DBA Color Health
Classification: Uncertain significance for Hereditary cancer-predisposing syndrome. Last evaluated: 2024-09-23. Review status: criteria provided, single submitter. Criteria: ACMG Guidelines, 2015. Collection method: clinical testing. Allele origin: germline.
Comment: This missense variant replaces lysine with arginine at codon 1590 of the BRCA2 protein. Computational prediction suggests that this variant may not impact protein structure and function. To our knowledge, functional studies have not been reported for this variant. This variant has been reported in three individuals affected with breast cancer (PMID: 29020660, 39062721). This variant has not been identified in the general population by the Genome Aggregation Database (gnomAD). The available evidence is insufficient to determine the role of this variant in disease conclusively. Therefore, this variant is classified as a Variant of Uncertain Significance.

Labcorp Genetics (formerly Invitae), Labcorp
Classification: Uncertain significance for Hereditary breast ovarian cancer syndrome. Last evaluated: 2023-06-13. Review status: criteria provided, single submitter. Criteria: Invitae Variant Classification Sherloc (09022015). Collection method: clinical testing. Allele origin: germline.
Comment: This sequence change replaces lysine, which is basic and polar, with arginine, which is basic and polar, at codon 1590 of the BRCA2 protein (p.Lys1590Arg). In summary, the available evidence is currently insufficient to determine the role of this variant in disease. Therefore, it has been classified as a Variant of Uncertain Significance. Advanced modeling of protein sequence and biophysical properties (such as structural, functional, and spatial information, amino acid conservation, physicochemical variation, residue mobility, and thermodynamic stability) performed at Invitae indicates that this missense variant is not expected to disrupt BRCA2 protein function. ClinVar contains an entry for this variant (Variation ID: 951700). This missense change has been observed in individual(s) with breast cancer (PMID: 29020660). This variant is not present in population databases (gnomAD no frequency).

University of Washington Department of Laboratory Medicine, University of Washington
Classification: Likely benign for Hereditary cancer-predisposing syndrome. Last evaluated: 2023-03-23. Review status: criteria provided, single submitter. Criteria: Dines et al. (Genet Med. 2020). Collection method: curation. Allele origin: germline.
Comment: Missense variant in a coldspot region where missense variants are very unlikely to be pathogenic (PMID:31911673).

BRCA2 exon 11 coldspot. Reclassification based on statistical prior probability.

Literature cited by the submitters: PubMed 29020660 (cited by 3 submitters); PubMed 39062721 (cited by Color Diagnostics, LLC DBA Color Health).